The following is an entry in ClinVar:

NM_001024630.4(RUNX2):c.360C>A (p.Asn120Lys)

Gene: RUNX2 (RUNX family transcription factor 2; plus strand). Cytogenetic location: 6p21.1.
Variant type: single nucleotide variant.
Coding change: c.360C>A on transcript NM_001024630.4 (MANE Select); coding-DNA position 360, C replaced by A.
Protein change: p.Asn120Lys; replaces asparagine 120 with lysine.
Molecular consequence: missense variant.
Genome position (GRCh38, 1-based): chr6:45,422,894, C>A. VCF-style: chr6-45422894-C-A. GRCh37 (hg19) VCF-style: chr6-45390631-C-A.
Other names: c.360C>A, p.Asn120Lys (NM_001015051.4); c.318C>A, p.Asn106Lys (NM_001278478.2, NM_001369405.1, NM_004348.3); c.360C>A (NM_001024630.3); short protein forms N106K, N120K.
Identifiers: ClinVar variation 1708145 (VCV001708145.2), dbSNP rs1798261271, ClinGen allele CA363958536.

ClinVar aggregate classification (germline): Conflicting classifications of pathogenicity. Review status: criteria provided, conflicting classifications (1 of 4 stars). 2 submissions from 2 submitters: Pathogenic (1); Uncertain significance (1). Last evaluated 2023-07-25.

Conditions:
Cleidocranial dysostosis (CLCD1). Also called: cleidocranial dysplasia 1; Cleidocranial Dysplasia Spectrum Disorder; Marie-Sainton disease. Identifiers: Orphanet 1452, MedGen C0008928, MONDO:0007340, OMIM 119600.

Submissions (2):

GeneDx
Classification: Uncertain significance. Last evaluated: 2023-07-25. Review status: criteria provided, single submitter. Criteria: GeneDx Variant Classification Process June 2021. Collection method: clinical testing. Allele origin: germline. Affected: yes.
Comment: Has not been previously published as pathogenic or benign to our knowledge; Not observed at significant frequency in large population cohorts (gnomAD); In silico analysis supports that this missense variant has a deleterious effect on protein structure/function

Laboratory of Medical Genetics, National & Kapodistrian University of Athens
Classification: Pathogenic for Cleidocranial dysostosis. Last evaluated: 2022-04-18. Review status: criteria provided, single submitter. Criteria: ACMG Guidelines, 2015. Collection method: clinical testing. Allele origin: de novo. Affected: yes.
Comment: PS2, PM1, PM2, PP2, PP3